The following is an entry in ClinVar:

ClinVar aggregate classification (germline): Likely benign. Review status: criteria provided, multiple submitters, no conflicts (2 of 4 stars). 3 submissions from 3 submitters: Likely benign (2). 1 of the submissions does not count toward it. Last evaluated 2025-06-25.

Conditions:
CDH3-related disorder. Also called: CDH3-related condition.

Allele frequency attached by ClinVar (database versions not stated): gnomAD 0.00002; gnomAD exomes 0.00002 and 0.00004; TOPMed 0.00002; ExAC 0.00004.
gnomAD v4.1: 30 of 1,613,986 alleles (0.0019%); highest among the groups gnomAD compares: Middle Eastern, 0.066%; no homozygotes.

Submissions (3):

Labcorp Genetics (formerly Invitae), Labcorp
Classification: Likely benign. Last evaluated: 2025-06-25. Review status: criteria provided, single submitter. Criteria: Invitae Variant Classification Sherloc (09022015). Collection method: clinical testing. Allele origin: germline.

Blueprint Genetics
Classification: Likely benign. Last evaluated: 2024-03-16. Review status: criteria provided, single submitter. Criteria: ACMG Guidelines, 2015. Collection method: clinical testing. Allele origin: germline.

PreventionGenetics, part of Exact Sciences
Classification: Likely benign for CDH3-related condition. Last evaluated: 2019-08-02. Review status: no assertion criteria provided. Collection method: clinical testing. Allele origin: germline. Not counted in ClinVar's aggregate classification.
Comment: This variant is classified as likely benign based on ACMG/AMP sequence variant interpretation guidelines (Richards et al. 2015 PMID: 25741868, with internal and published modifications).

NM_001793.6(CDH3):c.1818G>A (p.Leu606=)

Gene: CDH3 (cadherin 3; plus strand). Cytogenetic location: 16q22.1.
Variant type: single nucleotide variant.
Coding change: c.1818G>A on transcript NM_001793.6 (MANE Select); coding-DNA position 1818, G replaced by A.
Protein change: p.Leu606=; no amino-acid change (leucine 606 retained).
Molecular consequence: synonymous variant.
Genome position (GRCh38, 1-based): chr16:68,691,742, G>A. VCF-style: chr16-68691742-G-A. GRCh37 (hg19) VCF-style: chr16-68725645-G-A.
Other names: c.1818G>A, p.Leu606= (NM_001317195.3); c.1653G>A, p.Leu551= (NM_001317196.2); c.1818G>A (NM_001793.5).
Identifiers: ClinVar variation 1149545 (VCV001149545.12), dbSNP rs756373796, ClinGen allele CA8129495.